The following is an entry in ClinVar:

ClinVar aggregate classification (germline): Uncertain significance (1 of 4 stars; one submission).

Conditions:
Charcot-Marie-Tooth disease axonal type 2C (HMSN2C). Also called: CHARCOT-MARIE-TOOTH DISEASE, AXONAL, AUTOSOMAL DOMINANT, TYPE 2C; Charcot-Marie-Tooth Neuropathy Type 2C; Charcot-Marie-Tooth Disease Type 2, TRPV4-Related (CMT2C). Identifiers: Orphanet 99937, MedGen C1853710, MONDO:0011633, OMIM 606071.

Allele frequency attached by ClinVar (database versions not stated): gnomAD exomes below 0.00001.
gnomAD v4.1: 1 of 1,612,664 alleles (0.000062%); highest among the groups gnomAD compares: Non-Finnish European, 0.000085%; no homozygotes.

Submission:

Labcorp Genetics (formerly Invitae), Labcorp
Classification: Uncertain significance for Charcot-Marie-Tooth disease axonal type 2C. Last evaluated: 2023-07-08. Review status: criteria provided, single submitter. Criteria: Invitae Variant Classification Sherloc (09022015). Collection method: clinical testing. Allele origin: germline.
Comment: This sequence change replaces alanine, which is neutral and non-polar, with valine, which is neutral and non-polar, at codon 377 of the TRPV4 protein (p.Ala377Val). This variant is not present in population databases (gnomAD no frequency). In summary, the available evidence is currently insufficient to determine the role of this variant in disease. Therefore, it has been classified as a Variant of Uncertain Significance. Advanced modeling of protein sequence and biophysical properties (such as structural, functional, and spatial information, amino acid conservation, physicochemical variation, residue mobility, and thermodynamic stability) has been performed at Invitae for this missense variant, however the output from this modeling did not meet the statistical confidence thresholds required to predict the impact of this variant on TRPV4 protein function. This variant has not been reported in the literature in individuals affected with TRPV4-related conditions.

NM_021625.5(TRPV4):c.1130C>T (p.Ala377Val)

Gene: TRPV4 (transient receptor potential cation channel subfamily V member 4; minus strand). Cytogenetic location: 12q24.11.
Variant type: single nucleotide variant.
Coding change: c.1130C>T on transcript NM_021625.5 (MANE Select); coding-DNA position 1130, C replaced by T.
Protein change: p.Ala377Val; replaces alanine 377 with valine.
Molecular consequence: missense variant.
Genome position (GRCh38, 1-based): chr12:109,798,636, G>A on the plus strand (C>T on the coding strand, the complement: TRPV4 is on the minus strand). VCF-style: chr12-109798636-G-A. GRCh37 (hg19) VCF-style: chr12-110236441-G-A.
Other names: c.989C>T, p.Ala330Val (NM_001177428.2, NM_001177433.2); c.1028C>T, p.Ala343Val (NM_001177431.2); c.1130C>T, p.Ala377Val (NM_147204.3); short protein forms A343V, A377V, A330V.
Identifiers: ClinVar variation 2900530 (VCV002900530.3), dbSNP rs1283263106, ClinGen allele CA386654072.